The following is an entry in ClinVar:

NM_000070.3(CAPN3):c.309+30_309+31insG

Gene: CAPN3 (calpain 3; plus strand). Cytogenetic location: 15q15.1.
Variant type: Insertion.
Coding change: c.309+30_309+31insG on transcript NM_000070.3 (MANE Select); bases 30 to 31 of the intron after coding-DNA position 309, G inserted.
Molecular consequence: intron variant.
Genome position: GRCh38 VCF-style: chr15-42360144-T-TG. GRCh37 (hg19) VCF-style: chr15-42652342-T-TG.
Other names: c.309+30_309+31insG (NM_024344.2, NM_173087.2).
Identifiers: ClinVar variation 677710 (VCV000677710.1), dbSNP rs377626958, ClinGen allele CA7510900.

ClinVar aggregate classification (germline): Likely benign (1 of 4 stars; one submission).

Allele frequency attached by ClinVar (database versions not stated): gnomAD exomes 0.00097 and 0.00251; ExAC 0.00304; gnomAD 0.00853 and 0.00922; TOPMed 0.01025; 1000 Genomes Project 0.01038; 1000 Genomes Project 30x 0.01187.

Submission:

GeneDx
Classification: Likely benign. Last evaluated: 2018-06-19. Review status: criteria provided, single submitter. Criteria: GeneDx Variant Classification (06012015). Collection method: clinical testing. Allele origin: germline. Affected: yes.
Comment: This variant is considered likely benign or benign based on one or more of the following criteria: it is a conservative change, it occurs at a poorly conserved position in the protein, it is predicted to be benign by multiple in silico algorithms, and/or has population frequency not consistent with disease.